The following is an entry in ClinVar:

ClinVar aggregate classification (germline): Benign (1 of 4 stars; one submission).

Conditions:
Frontotemporal dementia and/or amyotrophic lateral sclerosis 1 (FTDALS1). Also called: Frontotemporal dementia with motor neuron disease 1; C9orf72 Frontotemporal Dementia and/or Amyotrophic Lateral Sclerosis. Identifiers: Orphanet 275872, MedGen C5779877, MONDO:0007105, OMIM 105550.

Allele frequency attached by ClinVar (database versions not stated): gnomAD exomes 0.00010; 1000 Genomes Project 0.00060; 1000 Genomes Project 30x 0.00062; gnomAD 0.00085 and 0.00092; TOPMed 0.00098.

Submission:

Illumina Laboratory Services, Illumina
Classification: Benign for Frontotemporal dementia and/or amyotrophic lateral sclerosis 1. Last evaluated: 2018-01-12. Review status: criteria provided, single submitter. Criteria: ICSL Variant Classification Criteria 13 December 2019. Collection method: clinical testing. Allele origin: germline.
Comment: This variant was observed in the ICSL laboratory as part of a predisposition screen in an ostensibly healthy population. It had not been previously curated by ICSL or reported in the Human Gene Mutation Database (HGMD: prior to June 1st, 2018), and was therefore a candidate for classification through an automated scoring system. Utilizing variant allele frequency, disease prevalence and penetrance estimates, and inheritance mode, an automated score was calculated to assess if this variant is too frequent to cause the disease. Based on the score and internal cut-off values, a variant classified as benign is not then subjected to further curation. The score for this variant resulted in a classification of benign for this disease.

NM_018325.5(C9orf72):c.*174C>T

Gene: C9orf72 (C9orf72-SMCR8 complex subunit; minus strand). Cytogenetic location: 9p21.2.
Variant type: single nucleotide variant.
Coding change: c.*174C>T on transcript NM_018325.5 (MANE Select); 174 bases downstream of the stop codon, C replaced by T.
Molecular consequence: 3 prime UTR variant.
Genome position (GRCh38, 1-based): chr9:27,548,062, G>A on the plus strand (C>T on the coding strand, the complement: C9orf72 is on the minus strand). VCF-style: chr9-27548062-G-A. GRCh37 (hg19) VCF-style: chr9-27548060-G-A.
Other names: c.*174C>T (NM_001256054.3).
Identifiers: ClinVar variation 366503 (VCV000366503.5), dbSNP rs146530591, ClinGen allele CA10629882.